The following is an entry in ClinVar:

ClinVar aggregate classification (germline): Conflicting classifications of pathogenicity. Review status: criteria provided, conflicting classifications (1 of 4 stars). 2 submissions from 2 submitters: Uncertain significance (1); Likely benign (1). Last evaluated 2026-03-01.

Conditions:
Inborn genetic diseases. Identifiers: MedGen C0950123, MeSH D030342.

Allele frequency attached by ClinVar (database versions not stated): gnomAD 0.00001; ExAC 0.00007; 1000 Genomes Project 30x 0.00016; 1000 Genomes Project 0.00020.
gnomAD v4.1: 4 of 1,571,638 alleles (0.00025%); highest among the groups gnomAD compares: East Asian, 0.0094%; no homozygotes.

Submissions (2):

CeGaT Center for Human Genetics Tuebingen
Classification: Likely benign. Last evaluated: 2026-03-01. Review status: criteria provided, single submitter. Criteria: CeGaT Center For Human Genetics Tuebingen Variant Classification Criteria Version 2. Collection method: clinical testing. Allele origin: germline. Affected: yes. Observed: 1 variant allele.
Comment: MAPK8IP3: BP4, BP5

Ambry Genetics
Classification: Uncertain significance for Inborn genetic diseases. Last evaluated: 2023-05-03. Review status: criteria provided, single submitter. Criteria: Ambry Variant Classification Scheme 2023. Collection method: clinical testing. Allele origin: germline.

NM_001318852.2(MAPK8IP3):c.3821A>C (p.Glu1274Ala)

Gene: MAPK8IP3 (mitogen-activated protein kinase 8 interacting protein 3; plus strand). Cytogenetic location: 16p13.3.
Variant type: single nucleotide variant.
Coding change: c.3821A>C on transcript NM_001318852.2 (MANE Select); coding-DNA position 3821, A replaced by C.
Protein change: p.Glu1274Ala; replaces glutamic acid 1274 with alanine.
Molecular consequence: missense variant.
Genome position (GRCh38, 1-based): chr16:1,768,555, A>C. VCF-style: chr16-1768555-A-C. GRCh37 (hg19) VCF-style: chr16-1818556-A-C.
Other names: c.3800A>C, p.Glu1267Ala (NM_001040439.2); c.3818A>C, p.Glu1273Ala (NM_015133.5, NM_033392.3); short protein forms E1273A, E1267A, E1274A.
Identifiers: ClinVar variation 2512231 (VCV002512231.6), dbSNP rs532076818, ClinGen allele CA7817868.
Genomic context (GRCh38, chr16:1,768,555, plus strand): 5'-TGAATGGGAGTGTGCTGGACAGCCCAGCCGAGGGCCCTGGGCCAGCTGCCCCTGCCTCGG[A>C]GGTCGAGGGCCAGAAGCTGCGGAACGTGCTGGTGCTGAGCGGCGGGGAGGGCTACATCGA-3'
Protein context (NP_001305781.1, residues 1264-1284): EGPGPAAPAS[Glu1274Ala]VEGQKLRNVL